The following is an entry in ClinVar:

NM_001378615.1(CC2D2A):c.2163G>A (p.Pro721=)

Genes: CC2D2A (coiled-coil and C2 domain containing 2A; plus strand), FBXL5 (F-box and leucine rich repeat protein 5; minus strand). Cytogenetic location: 4p15.32.
Variant type: single nucleotide variant.
Coding change: c.2163G>A on transcript NM_001378615.1 (MANE Select); coding-DNA position 2163, G replaced by A.
Protein change: p.Pro721=; no amino-acid change (proline 721 retained).
Molecular consequence: synonymous variant.
Genome position (GRCh38, 1-based): chr4:15,540,996, G>A. VCF-style: chr4-15540996-G-A. GRCh37 (hg19) VCF-style: chr4-15542619-G-A.
Other names: c.2163G>A, p.Pro721= (NM_001080522.2); c.2016G>A, p.Pro672= (NM_001378617.1).
Identifiers: ClinVar variation 194817 (VCV000194817.17), dbSNP rs768337150, ClinGen allele CA241001.
Genomic context (GRCh38, chr4:15,540,996, plus strand): 5'-AGGAGCAGACTTCCGAGTTCACTTTGGGCAGATTTTCAATTTGCAAATAGTCAACTGGCC[G>A]GAGAGTTTAACACTTCAGGTACACATTTTAATTATAGTTACTGGCCGGGCACTGTGGCTC-3'
Protein context (NP_001365544.1, residues 711-731): QIFNLQIVNW[Pro721=]ESLTLQVYET

ClinVar aggregate classification (germline): Conflicting classifications of pathogenicity. Review status: criteria provided, conflicting classifications (1 of 4 stars). 4 submissions from 4 submitters: Uncertain significance (1); Likely benign (2). 1 of the submissions does not count toward it. Last evaluated 2024-08-12.

Conditions:
CC2D2A-related disorder. Also called: CC2D2A-related disorders; CC2D2A-related condition. Identifiers: MedGen CN239313.
Meckel-Gruber syndrome. Also called: DYSENCEPHALIA SPLANCHNOCYSTICA; GRUBER SYNDROME; Dysencephalia splachnocystica. Identifiers: Orphanet 564, MedGen C0265215, MONDO:0018921.
Joubert syndrome. Also called: Familial aplasia of the vermis; JOUBERT-BOLTSHAUSER SYNDROME. Identifiers: Orphanet 475, MedGen C5979921, MONDO:0018772.

Allele frequency attached by ClinVar (database versions not stated): gnomAD exomes 0.00003; TOPMed 0.00009; ExAC 0.00010; gnomAD 0.00011.

Submissions (4):

Labcorp Genetics (formerly Invitae), Labcorp
Classification: Likely benign for Joubert syndrome; Meckel-Gruber syndrome. Last evaluated: 2024-08-12. Review status: criteria provided, single submitter. Criteria: Invitae Variant Classification Sherloc (09022015). Collection method: clinical testing. Allele origin: germline.

Blueprint Genetics
Classification: Likely benign. Last evaluated: 2022-10-06. Review status: criteria provided, single submitter. Criteria: ACMG Guidelines, 2015. Collection method: clinical testing. Allele origin: germline.

Eurofins Ntd Llc (ga)
Classification: Uncertain significance. Last evaluated: 2018-08-30. Review status: criteria provided, single submitter. Criteria: EGL ClinVar v180209 classification definitions. Collection method: clinical testing. Allele origin: germline. Observed: 4 variant alleles, 4 heterozygotes.

PreventionGenetics, part of Exact Sciences
Classification: Likely benign for CC2D2A-related condition. Last evaluated: 2023-05-31. Review status: no assertion criteria provided. Collection method: clinical testing. Allele origin: germline. Not counted in ClinVar's aggregate classification.
Comment: This variant is classified as likely benign based on ACMG/AMP sequence variant interpretation guidelines (Richards et al. 2015 PMID: 25741868, with internal and published modifications).